The following is an entry in ClinVar:

ClinVar aggregate classification (germline): Likely benign (0 of 4 stars; one submission).

Conditions:
AQP4-related disorder. Also called: AQP4-related condition.

Allele frequency attached by ClinVar (database versions not stated): ESP Exome Variant Server 0.00031.

Submission:

PreventionGenetics, part of Exact Sciences
Classification: Likely benign for AQP4-related condition. Last evaluated: 2019-09-09. Review status: no assertion criteria provided. Collection method: clinical testing. Allele origin: germline.
Comment: This variant is classified as likely benign based on ACMG/AMP sequence variant interpretation guidelines (Richards et al. 2015 PMID: 25741868, with internal and published modifications).

NM_001650.7(AQP4):c.56G>C (p.Arg19Thr)

Gene: AQP4 (aquaporin 4; minus strand). Cytogenetic location: 18q11.2.
Variant type: single nucleotide variant.
Coding change: c.56G>C on transcript NM_001650.7 (MANE Select); coding-DNA position 56, G replaced by C.
Protein change: p.Arg19Thr; replaces arginine 19 with threonine.
Molecular consequence: missense variant. On other transcripts: 5 prime UTR variant (4).
Genome position (GRCh38, 1-based): chr18:26,862,573, C>G on the plus strand (G>C on the coding strand, the complement: AQP4 is on the minus strand). VCF-style: chr18-26862573-C-G. GRCh37 (hg19) VCF-style: chr18-24442537-C-G.
Other names: c.56G>C, p.Arg19Thr (NM_001317384.3, NM_001317387.3); c.-11G>C (NM_001364286.1, NM_001364287.1, NM_001364289.2 and 1 more transcripts); short protein forms R19T.
Identifiers: ClinVar variation 3042173 (VCV003042173.2), dbSNP rs150587304, ClinGen allele CA8922713.